The following is an entry in ClinVar:

NM_000540.3(RYR1):c.3874C>T (p.Leu1292Phe)

Gene: RYR1 (ryanodine receptor 1; plus strand). Cytogenetic location: 19q13.2.
Variant type: single nucleotide variant.
Coding change: c.3874C>T on transcript NM_000540.3 (MANE Select); coding-DNA position 3874, C replaced by T.
Protein change: p.Leu1292Phe; replaces leucine 1292 with phenylalanine.
Molecular consequence: missense variant.
Genome position (GRCh38, 1-based): chr19:38,473,485, C>T. VCF-style: chr19-38473485-C-T. GRCh37 (hg19) VCF-style: chr19-38964125-C-T.
Other names: c.3874C>T, p.Leu1292Phe (NM_001042723.2); short protein forms L1292F.
Identifiers: ClinVar variation 3714976 (VCV003714976.3).

ClinVar aggregate classification (germline): Uncertain significance. Review status: criteria provided, multiple submitters, no conflicts (2 of 4 stars). 3 submissions from 3 submitters: Uncertain significance (3). Last evaluated 2025-09-09.

Conditions:
Malignant hyperthermia, susceptibility to, 1 (MHS1). Also called: Anesthesia related hyperthermia; Malignant hyperpyrexia; Fulminating hyperpyrexia; Pharmacogenic myopathy; RYR1-Related Malignant Hyperthermia Susceptibility; Malignant hyperthermia suceptibility 1. Identifiers: Orphanet 423, MedGen C2930980, MONDO:0007783, OMIM 145600.
RYR1-related disorder. Also called: RYR1-related condition; RYR1-related disorders. Identifiers: MedGen CN239331.

gnomAD v4.1: 3 of 1,613,858 alleles (0.00019%); highest among the groups gnomAD compares: East Asian, 0.0045%; no homozygotes.

Submissions (3):

Color Diagnostics, LLC DBA Color Health
Classification: Uncertain significance for Malignant hyperthermia, susceptibility to, 1. Last evaluated: 2025-09-09. Review status: criteria provided, single submitter. Criteria: ACMG Guidelines, 2015. Collection method: clinical testing. Allele origin: germline.
Comment: This missense variant replaces leucine with phenylalanine at codon 1292 of the RYR1 protein. Computational prediction suggests that this variant may have deleterious impact on protein structure and function. To our knowledge, functional studies have not been reported for this variant. This variant has not been reported in individuals affected with RYR1-related disorders in the literature. This variant has been identified in 2/248876 chromosomes in the general population by the Genome Aggregation Database (gnomAD). The available evidence is insufficient to determine the role of this variant in disease conclusively. Therefore, this variant is classified as a Variant of Uncertain Significance.

Labcorp Genetics (formerly Invitae), Labcorp
Classification: Uncertain significance for RYR1-related disorder. Last evaluated: 2024-11-03. Review status: criteria provided, single submitter. Criteria: Invitae Variant Classification Sherloc (09022015). Collection method: clinical testing. Allele origin: germline.
Comment: This sequence change replaces leucine, which is neutral and non-polar, with phenylalanine, which is neutral and non-polar, at codon 1292 of the RYR1 protein (p.Leu1292Phe). This variant is present in population databases (rs369954163, gnomAD 0.005%). This variant has not been reported in the literature in individuals affected with RYR1-related conditions. Invitae Evidence Modeling of protein sequence and biophysical properties (such as structural, functional, and spatial information, amino acid conservation, physicochemical variation, residue mobility, and thermodynamic stability) has been performed for this missense variant. However, the output from this modeling did not meet the statistical confidence thresholds required to predict the impact of this variant on RYR1 protein function. In summary, the available evidence is currently insufficient to determine the role of this variant in disease. Therefore, it has been classified as a Variant of Uncertain Significance.

Revvity Omics, Revvity
Classification: Uncertain significance. Last evaluated: 2024-06-13. Review status: criteria provided, single submitter. Criteria: ACMG Guidelines, 2015. Collection method: clinical testing. Allele origin: germline.